The following is an entry in ClinVar:

NM_014423.4(AFF4):c.1979C>A (p.Pro660His)

Gene: AFF4 (ALF transcription elongation factor 4; minus strand). Cytogenetic location: 5q31.1.
Variant type: single nucleotide variant.
Coding change: c.1979C>A on transcript NM_014423.4 (MANE Select); coding-DNA position 1979, C replaced by A.
Protein change: p.Pro660His; replaces proline 660 with histidine.
Molecular consequence: missense variant.
Genome position (GRCh38, 1-based): chr5:132,896,651, G>T on the plus strand (C>A on the coding strand, the complement: AFF4 is on the minus strand). VCF-style: chr5-132896651-G-T. GRCh37 (hg19) VCF-style: chr5-132232343-G-T.
Other names: short protein forms P660H.
Identifiers: ClinVar variation 4741641 (VCV004741641.1).

ClinVar aggregate classification (germline): Uncertain significance (1 of 4 stars; one submission).

Conditions:
Cognitive impairment - coarse facies - heart defects - obesity - pulmonary involvement - short stature - skeletal dysplasia syndrome. Also called: COGNITIVE IMPAIRMENT, COARSE FACIES, HEART DEFECTS, OBESITY, PULMONARY INVOLVEMENT, SHORT STATURE, AND SKELETAL DYSPLASIA; Chops syndrome; AFF4-Related CHOPS Syndrome. Identifiers: Orphanet 444077, MedGen C4085597, MONDO:0014609, OMIM 616368.

Submission:

Labcorp Genetics (formerly Invitae), Labcorp
Classification: Uncertain significance for Cognitive impairment - coarse facies - heart defects - obesity - pulmonary involvement - short stature - skeletal dysplasia syndrome. Last evaluated: 2025-02-16. Review status: criteria provided, single submitter. Criteria: Invitae Variant Classification Sherloc (09022015). Collection method: clinical testing. Allele origin: germline.
Comment: This sequence change replaces proline, which is neutral and non-polar, with histidine, which is basic and polar, at codon 660 of the AFF4 protein (p.Pro660His). This variant is not present in population databases (gnomAD no frequency). This variant has not been reported in the literature in individuals affected with AFF4-related conditions. Invitae Evidence Modeling of protein sequence and biophysical properties (such as structural, functional, and spatial information, amino acid conservation, physicochemical variation, residue mobility, and thermodynamic stability) indicates that this missense variant is expected to disrupt AFF4 protein function with a positive predictive value of 80%. In summary, the available evidence is currently insufficient to determine the role of this variant in disease. Therefore, it has been classified as a Variant of Uncertain Significance.